The following is an entry in ClinVar:

NM_016648.4(LARP7):c.52_58del (p.Glu18fs)

Gene: LARP7 (La ribonucleoprotein 7, transcriptional regulator; plus strand). Cytogenetic location: 4q25.
Variant type: Deletion.
Coding change: c.52_58del on transcript NM_016648.4 (MANE Select); coding-DNA positions 52 to 58, 7 bases deleted (GAAAAGA; older notation c.52_58delGAAAAGA).
Protein change: p.Glu18fs; shifts the reading frame from glutamic acid 18.
Molecular consequence: frameshift variant. On other transcripts: 5 prime UTR variant (2).
Genome position (GRCh38, 1-based): chr4:112,644,721-112,644,727, GAAAAGA deleted. VCF-style (leftmost placement, unchanged base first): chr4-112644720-TGAAAAGA-T. GRCh37 (hg19) VCF-style: chr4-113565876-TGAAAAGA-T.
Other names: c.52_58del, p.Glu18fs (NM_001267039.4, NM_001370974.1, NM_001370975.1 and 6 more transcripts); c.-83_-77del (NM_001370981.1, NM_001370982.1); short protein forms E18fs.
Identifiers: ClinVar variation 4538607 (VCV004538607.1).

ClinVar aggregate classification (germline): Likely pathogenic (1 of 4 stars; one submission).

Submission:

GeneDx
Classification: Likely pathogenic. Last evaluated: 2025-06-21. Review status: criteria provided, single submitter. Criteria: GeneDx Variant Classification Process June 2021. Collection method: clinical testing. Allele origin: germline. Affected: yes.
Comment: Frameshift variant predicted to result in protein truncation or nonsense mediated decay in a gene for which loss of function is a known mechanism of disease; Not observed at significant frequency in large population cohorts (gnomAD); Has not been previously published as pathogenic or benign to our knowledge